The following is an entry in ClinVar:

ClinVar aggregate classification (germline): Uncertain significance (1 of 4 stars; one submission).

Conditions:
Cardiovascular phenotype. Identifiers: MedGen CN230736.

Submission:

Ambry Genetics
Classification: Uncertain significance for Cardiovascular phenotype. Last evaluated: 2025-12-21. Review status: criteria provided, single submitter. Criteria: Ambry Variant Classification Scheme 2023. Collection method: clinical testing. Allele origin: germline.
Comment: The p.N116D variant (also known as c.346A>G), located in coding exon 1 of the MYPN gene, results from an A to G substitution at nucleotide position 346. The asparagine at codon 116 is replaced by aspartic acid, an amino acid with highly similar properties. This amino acid position is conserved. In addition, this alteration is predicted to be tolerated by in silico analysis. Based on the available evidence, the clinical significance of this variant remains unclear.

NM_032578.4(MYPN):c.346A>G (p.Asn116Asp)

Gene: MYPN (myopalladin; plus strand). Cytogenetic location: 10q21.3.
Variant type: single nucleotide variant.
Coding change: c.346A>G on transcript NM_032578.4 (MANE Select); coding-DNA position 346, A replaced by G.
Protein change: p.Asn116Asp; replaces asparagine 116 with aspartic acid.
Molecular consequence: missense variant. On other transcripts: 5 prime UTR variant (1), non-coding transcript variant (1).
Genome position (GRCh38, 1-based): chr10:68,121,784, A>G. VCF-style: chr10-68121784-A-G. GRCh37 (hg19) VCF-style: chr10-69881541-A-G.
Other names: c.346A>G, p.Asn116Asp (NM_001256267.2); c.-777A>G (NM_001256268.2); short protein forms N116D.
Identifiers: ClinVar variation 4841981 (VCV004841981.1).